The following is an entry in ClinVar:

NM_017696.3(MCM9):c.3223C>T (p.Pro1075Ser)

Gene: MCM9 (minichromosome maintenance 9 homologous recombination repair factor; minus strand). Cytogenetic location: 6q22.31.
Variant type: single nucleotide variant.
Coding change: c.3223C>T on transcript NM_017696.3 (MANE Select); coding-DNA position 3223, C replaced by T.
Protein change: p.Pro1075Ser; replaces proline 1075 with serine.
Molecular consequence: missense variant. On other transcripts: 3 prime UTR variant (4), non-coding transcript variant (1).
Genome position (GRCh38, 1-based): chr6:118,815,033, G>A on the plus strand (C>T on the coding strand, the complement: MCM9 is on the minus strand). VCF-style: chr6-118815033-G-A. GRCh37 (hg19) VCF-style: chr6-119136196-G-A.
Other names: c.3223C>T, p.Pro1075Ser (NM_001378356.1, NM_001378357.1); c.*1130C>T (NM_001378359.1, NM_001378360.1, NM_001378366.1 and 1 more transcripts); c.3019C>T, p.Pro1007Ser (NM_001378364.1); short protein forms P1075S, P1007S.
Identifiers: ClinVar variation 782477 (VCV000782477.26), dbSNP rs61744508, ClinGen allele CA3978252.

ClinVar aggregate classification (germline): Benign. Review status: criteria provided, multiple submitters, no conflicts (2 of 4 stars). 2 submissions from 2 submitters: Benign (2). Last evaluated 2023-12-01.

Allele frequency attached by ClinVar (database versions not stated): ExAC 0.00288; 1000 Genomes Project 0.00899; 1000 Genomes Project 30x 0.00921; gnomAD 0.01039 and 0.01117; TOPMed 0.01195.
gnomAD v4.1: 3,083 of 1,550,360 alleles (0.2%); highest among the groups gnomAD compares: African/African-American, 3.6%; 50 homozygotes.

Submissions (2):

CeGaT Center for Human Genetics Tuebingen
Classification: Benign. Last evaluated: 2023-12-01. Review status: criteria provided, single submitter. Criteria: CeGaT Center For Human Genetics Tuebingen Variant Classification Criteria Version 2. Collection method: clinical testing. Allele origin: germline. Affected: yes. Observed: 1 variant allele.
Comment: MCM9: BP4, BS1, BS2

Labcorp Genetics (formerly Invitae), Labcorp
Classification: Benign. Last evaluated: 2019-12-31. Review status: criteria provided, single submitter. Criteria: Invitae Variant Classification Sherloc (09022015). Collection method: clinical testing. Allele origin: germline.